The following is an entry in ClinVar:

ClinVar aggregate classification (germline): Uncertain significance. Review status: criteria provided, multiple submitters, no conflicts (2 of 4 stars). 2 submissions from 2 submitters: Uncertain significance (2). Last evaluated 2025-01-17.

Conditions:
Inborn genetic diseases. Identifiers: MedGen C0950123, MeSH D030342.
Congenital myasthenic syndrome 2A. Also called: Myasthenic syndrome, congenital, 2a, slow-channel. Identifiers: Orphanet 590, MedGen C4225374, MONDO:0014581, OMIM 616313.

Allele frequency attached by ClinVar (database versions not stated): gnomAD exomes below 0.00001; TOPMed below 0.00001; ExAC 0.00001.
gnomAD v4.1: 1 of 1,614,120 alleles (0.000062%); highest among the groups gnomAD compares: Admixed American, 0.0017%; no homozygotes.

Submissions (2):

Ambry Genetics
Classification: Uncertain significance for Inborn genetic diseases. Last evaluated: 2025-01-17. Review status: criteria provided, single submitter. Criteria: Ambry Variant Classification Scheme 2023. Collection method: clinical testing. Allele origin: germline.

Labcorp Genetics (formerly Invitae), Labcorp
Classification: Uncertain significance for Congenital myasthenic syndrome 2A. Last evaluated: 2024-04-29. Review status: criteria provided, single submitter. Criteria: Invitae Variant Classification Sherloc (09022015). Collection method: clinical testing. Allele origin: germline.
Comment: This sequence change replaces leucine, which is neutral and non-polar, with proline, which is neutral and non-polar, at codon 360 of the CHRNB1 protein (p.Leu360Pro). This variant is present in population databases (rs747724114, gnomAD 0.003%). This variant has not been reported in the literature in individuals affected with CHRNB1-related conditions. ClinVar contains an entry for this variant (Variation ID: 1497188). Advanced modeling of protein sequence and biophysical properties (such as structural, functional, and spatial information, amino acid conservation, physicochemical variation, residue mobility, and thermodynamic stability) performed at Invitae indicates that this missense variant is not expected to disrupt CHRNB1 protein function with a negative predictive value of 80%. In summary, the available evidence is currently insufficient to determine the role of this variant in disease. Therefore, it has been classified as a Variant of Uncertain Significance.

NM_000747.3(CHRNB1):c.1079T>C (p.Leu360Pro)

Gene: CHRNB1 (cholinergic receptor nicotinic beta 1 subunit; plus strand). Cytogenetic location: 17p13.1.
Variant type: single nucleotide variant.
Coding change: c.1079T>C on transcript NM_000747.3 (MANE Select); coding-DNA position 1079, T replaced by C.
Protein change: p.Leu360Pro; replaces leucine 360 with proline.
Molecular consequence: missense variant.
Genome position (GRCh38, 1-based): chr17:7,455,318, T>C. VCF-style: chr17-7455318-T-C. GRCh37 (hg19) VCF-style: chr17-7358637-T-C.
Other names: c.1079T>C (NM_000747.2); short protein forms L360P.
Identifiers: ClinVar variation 1497188 (VCV001497188.7), dbSNP rs747724114, ClinGen allele CA8347974.